The following is an entry in ClinVar:

NM_001127671.2(LIFR):c.1107del (p.Ser368_Tyr369insTer)

Gene: LIFR (LIF receptor subunit alpha; minus strand). Cytogenetic location: 5p13.1.
Variant type: Deletion.
Coding change: c.1107del on transcript NM_001127671.2 (MANE Select); coding-DNA position 1107, one base deleted (C; older notation c.1107delC).
Protein change: p.Ser368_Tyr369insTer.
Molecular consequence: nonsense.
Genome position (GRCh38, 1-based): chr5:38,506,517, G deleted on the plus strand (C on the coding strand, the reverse complement: LIFR is on the minus strand). VCF-style (leftmost placement, unchanged base first): chr5-38506516-TG-T. GRCh37 (hg19) VCF-style: chr5-38506618-TG-T.
Other names: c.1107del, p.Ser368_Tyr369insTer (NM_001364297.2, NM_001364298.2, NM_002310.6).
Identifiers: ClinVar variation 2772469 (VCV002772469.3), dbSNP rs2531047714, ClinGen allele CA2697547144.
Genomic context (GRCh38, chr5:38,506,516, plus strand): 5'-TCCAACGTACTCCTTGCCATCTGACATCTTTTCCCAGTTATCATTACCTTTCAACTAAAG[TG>T]TAGCTTGTAGCACGTGGGCCCACCAACGCTGTCACCCTTCCTGGATTCCAACTACATATA-3'

ClinVar aggregate classification (germline): Pathogenic (1 of 4 stars; one submission).

Submission:

Labcorp Genetics (formerly Invitae), Labcorp
Classification: Pathogenic. Last evaluated: 2023-11-06. Review status: criteria provided, single submitter. Criteria: Invitae Variant Classification Sherloc (09022015). Collection method: clinical testing. Allele origin: germline.
Comment: This sequence change creates a premature translational stop signal (p.Tyr369*) in the LIFR gene. It is expected to result in an absent or disrupted protein product. Loss-of-function variants in LIFR are known to be pathogenic (PMID: 14740318). This variant is not present in population databases (gnomAD no frequency). This variant has not been reported in the literature in individuals affected with LIFR-related conditions. Algorithms developed to predict the effect of sequence changes on RNA splicing suggest that this variant may disrupt the consensus splice site. For these reasons, this variant has been classified as Pathogenic.

Literature cited by the submitters: PubMed 14740318.